The following is an entry in ClinVar:

ClinVar aggregate classification (germline): Uncertain significance (1 of 4 stars; one submission).

Conditions:
Charcot-Marie-Tooth disease axonal type 2O. Also called: CHARCOT-MARIE-TOOTH NEUROPATHY, AXONAL, TYPE 2O; CHARCOT-MARIE-TOOTH DISEASE, AXONAL, AUTOSOMAL DOMINANT, TYPE 2O; Charcot-Marie-Tooth Neuropathy Type 2O; Charcot-Marie-Tooth disease, axonal, type 20. Identifiers: Orphanet 284232, MedGen C3280220, MONDO:0013644, OMIM 614228.

gnomAD v4.1: 5 of 1,601,954 alleles (0.00031%); highest among the groups gnomAD compares: South Asian, 0.0011%; no homozygotes.

Submission:

Labcorp Genetics (formerly Invitae), Labcorp
Classification: Uncertain significance for Charcot-Marie-Tooth disease axonal type 2O. Last evaluated: 2022-03-11. Review status: criteria provided, single submitter. Criteria: Invitae Variant Classification Sherloc (09022015). Collection method: clinical testing. Allele origin: germline.
Comment: This sequence change replaces glycine, which is neutral and non-polar, with serine, which is neutral and polar, at codon 46 of the DYNC1H1 protein (p.Gly46Ser). This variant is not present in population databases (gnomAD no frequency). In summary, the available evidence is currently insufficient to determine the role of this variant in disease. Therefore, it has been classified as a Variant of Uncertain Significance. Advanced modeling of protein sequence and biophysical properties (such as structural, functional, and spatial information, amino acid conservation, physicochemical variation, residue mobility, and thermodynamic stability) performed at Invitae indicates that this missense variant is not expected to disrupt DYNC1H1 protein function. This variant has not been reported in the literature in individuals affected with DYNC1H1-related conditions.

NM_001376.5(DYNC1H1):c.136G>A (p.Gly46Ser)

Gene: DYNC1H1 (dynein cytoplasmic 1 heavy chain 1; plus strand). Cytogenetic location: 14q32.31.
Variant type: single nucleotide variant.
Coding change: c.136G>A on transcript NM_001376.5 (MANE Select); coding-DNA position 136, G replaced by A.
Protein change: p.Gly46Ser; replaces glycine 46 with serine.
Molecular consequence: missense variant.
Genome position (GRCh38, 1-based): chr14:101,964,827, G>A. VCF-style: chr14-101964827-G-A. GRCh37 (hg19) VCF-style: chr14-102431164-G-A.
Other names: short protein forms G46S.
Identifiers: ClinVar variation 2047077 (VCV002047077.4), dbSNP rs2503644139, ClinGen allele CA391003399.